The following is an entry in ClinVar:

ClinVar aggregate classification (germline): Pathogenic (1 of 4 stars; one submission).

Conditions:
Joubert syndrome. Also called: CEREBELLOPARENCHYMAL DISORDER IV; JOUBERT-BOLTSHAUSER SYNDROME; Familial aplasia of the vermis. Identifiers: Orphanet 475, MedGen C5979921, MONDO:0018772.
Meckel-Gruber syndrome. Also called: DYSENCEPHALIA SPLANCHNOCYSTICA; GRUBER SYNDROME; Dysencephalia splachnocystica. Identifiers: Orphanet 564, MedGen C0265215, MONDO:0018921.

Allele frequency attached by ClinVar (database versions not stated): gnomAD exomes below 0.00001.
gnomAD v4.1: 1 of 1,613,866 alleles (0.000062%); highest among the groups gnomAD compares: Non-Finnish European, 0.000085%; no homozygotes.

Submission:

Labcorp Genetics (formerly Invitae), Labcorp
Classification: Pathogenic for Joubert syndrome; Meckel-Gruber syndrome. Last evaluated: 2022-09-22. Review status: criteria provided, single submitter. Criteria: Invitae Variant Classification Sherloc (09022015). Collection method: clinical testing. Allele origin: germline.
Comment: For these reasons, this variant has been classified as Pathogenic. This variant has not been reported in the literature in individuals affected with RPGRIP1L-related conditions. This variant is not present in population databases (gnomAD no frequency). This sequence change creates a premature translational stop signal (p.Gln171*) in the RPGRIP1L gene. It is expected to result in an absent or disrupted protein product. Loss-of-function variants in RPGRIP1L are known to be pathogenic (PMID: 17558409).

Literature cited by the submitters: PubMed 17558409.

NM_015272.5(RPGRIP1L):c.511C>T (p.Gln171Ter)

Gene: RPGRIP1L (RPGRIP1 like; minus strand). Cytogenetic location: 16q12.2.
Variant type: single nucleotide variant.
Coding change: c.511C>T on transcript NM_015272.5 (MANE Select); coding-DNA position 511, C replaced by T.
Protein change: p.Gln171Ter; replaces glutamine 171 with a stop codon.
Molecular consequence: nonsense.
Genome position (GRCh38, 1-based): chr16:53,692,084, G>A on the plus strand (C>T on the coding strand, the complement: RPGRIP1L is on the minus strand). VCF-style: chr16-53692084-G-A. GRCh37 (hg19) VCF-style: chr16-53725996-G-A.
Other names: c.511C>T, p.Gln171Ter (NM_001127897.4, NM_001308334.3, NM_001330538.2); short protein forms Q171*.
Identifiers: ClinVar variation 2009231 (VCV002009231.4), dbSNP rs866067386, ClinGen allele CA281375111.